The following is an entry in ClinVar:

NM_001005361.3(DNM2):c.316G>T (p.Asp106Tyr)

Gene: DNM2 (dynamin 2; plus strand). Cytogenetic location: 19p13.2.
Variant type: single nucleotide variant.
Coding change: c.316G>T on transcript NM_001005361.3 (MANE Select); coding-DNA position 316, G replaced by T.
Protein change: p.Asp106Tyr; replaces aspartic acid 106 with tyrosine.
Molecular consequence: missense variant.
Genome position (GRCh38, 1-based): chr19:10,772,559, G>T. VCF-style: chr19-10772559-G-T. GRCh37 (hg19) VCF-style: chr19-10883235-G-T.
Other names: c.316G>T, p.Asp106Tyr (NM_001005360.3, NM_001005362.3, NM_001190716.2 and 1 more transcripts); short protein forms D106Y.
Identifiers: ClinVar variation 4243510 (VCV004243510.2).
Genomic context (GRCh38, chr19:10,772,559, plus strand): 5'-TGCAAGTCCAAAAAGTTTACAGACTTTGATGAAGTCCGGCAGGAGATTGAAGCAGAGACC[G>T]ACAGGGTCACGGGGACCAACAAAGGCATCTCCCCAGTGCCCATCAACCTTCGAGTCTACT-3'
Protein context (NP_001005361.1, residues 96-116): EVRQEIEAET[Asp106Tyr]RVTGTNKGIS

ClinVar aggregate classification (germline): Uncertain significance. Review status: criteria provided, multiple submitters, no conflicts (2 of 4 stars). 2 submissions from 2 submitters: Uncertain significance (2). Last evaluated 2025-08-12.

Conditions:
Charcot-Marie-Tooth disease dominant intermediate B (CMTDIB). Also called: CHARCOT-MARIE-TOOTH NEUROPATHY, DOMINANT INTERMEDIATE B; Charcot-Marie-Tooth disease dominant intermediate 1; CMT DI1; Charcot-Marie-Tooth disease dominant intermediate I. Identifiers: Orphanet 100044, Orphanet 228179, MedGen C1847902, MONDO:0011674, OMIM 606482.
Inborn genetic diseases. Identifiers: MedGen C0950123, MeSH D030342.

gnomAD v4.1: 2 of 1,614,140 alleles (0.00012%); highest among the groups gnomAD compares: Admixed American, 0.0017%; no homozygotes.

Submissions (2):

Ambry Genetics
Classification: Uncertain significance for Inborn genetic diseases. Last evaluated: 2025-08-12. Review status: criteria provided, single submitter. Criteria: Ambry Variant Classification Scheme 2023. Collection method: clinical testing. Allele origin: germline.

Labcorp Genetics (formerly Invitae), Labcorp
Classification: Uncertain significance for Charcot-Marie-Tooth disease dominant intermediate B. Last evaluated: 2025-05-08. Review status: criteria provided, single submitter. Criteria: Invitae Variant Classification Sherloc (09022015). Collection method: clinical testing. Allele origin: germline.
Comment: This sequence change replaces aspartic acid, which is acidic and polar, with tyrosine, which is neutral and polar, at codon 106 of the DNM2 protein (p.Asp106Tyr). This variant is present in population databases (rs375151459, gnomAD 0.003%). This variant has not been reported in the literature in individuals affected with DNM2-related conditions. Invitae Evidence Modeling of protein sequence and biophysical properties (such as structural, functional, and spatial information, amino acid conservation, physicochemical variation, residue mobility, and thermodynamic stability) has been performed for this missense variant. However, the output from this modeling did not meet the statistical confidence thresholds required to predict the impact of this variant on DNM2 protein function. In summary, the available evidence is currently insufficient to determine the role of this variant in disease. Therefore, it has been classified as a Variant of Uncertain Significance.